The following is an entry in ClinVar:

NM_024426.6(WT1):c.298C>T (p.Pro100Ser)

Genes: WT1 (WT1 transcription factor; minus strand), LOC107982234 (WT1/WT1-AS bi-directional promoter region; plus strand). Cytogenetic location: 11p13.
Variant type: single nucleotide variant.
Coding change: c.298C>T on transcript NM_024426.6 (MANE Select); coding-DNA position 298, C replaced by T.
Protein change: p.Pro100Ser; replaces proline 100 with serine.
Molecular consequence: missense variant. On other transcripts: non-coding transcript variant (1).
Genome position (GRCh38, 1-based): chr11:32,435,063, G>A on the plus strand (C>T on the coding strand, the complement: WT1 is on the minus strand). VCF-style: chr11-32435063-G-A. GRCh37 (hg19) VCF-style: chr11-32456609-G-A.
Other names: c.298C>T, p.Pro100Ser (NM_000378.6, NM_024424.5); short protein forms P100S.
Identifiers: ClinVar variation 852413 (VCV000852413.7), dbSNP rs567200038, ClinGen allele CA219511235.

ClinVar aggregate classification (germline): Uncertain significance (1 of 4 stars; one submission).

Conditions:
Wilms tumor 1 (WT1). Also called: Wilms tumor, somatic. Identifiers: Orphanet 654, MedGen CN033288, MONDO:0008679, OMIM 194070.
11p partial monosomy syndrome (WAGR). Also called: CHROMOSOME 11p13 DELETION SYNDROME; WAGR Complex; WAGR Spectrum Disorder; WAGR syndrome. Identifiers: Orphanet 893, MedGen C0206115, MONDO:0008681, OMIM 194072.
Frasier syndrome. Identifiers: Orphanet 347, MedGen C0950122, MeSH D052159, MONDO:0007635, OMIM 136680.
Drash syndrome (DDS). Also called: NEPHROPATHY, WILMS TUMOR, AND GENITAL ANOMALIES; WILMS TUMOR AND PSEUDO- OR TRUE HERMAPHRODITISM. Identifiers: Orphanet 220, MedGen C0950121, MONDO:0008682, OMIM 194080.

Allele frequency attached by ClinVar (database versions not stated): gnomAD 0.00001; 1000 Genomes Project 30x 0.00016; 1000 Genomes Project 0.00020.

Submission:

Labcorp Genetics (formerly Invitae), Labcorp
Classification: Uncertain significance for Wilms tumor 1; Drash syndrome; 11p partial monosomy syndrome; Frasier syndrome. Last evaluated: 2022-06-20. Review status: criteria provided, single submitter. Criteria: Invitae Variant Classification Sherloc (09022015). Collection method: clinical testing. Allele origin: germline.
Comment: This sequence change replaces proline, which is neutral and non-polar, with serine, which is neutral and polar, at codon 95 of the WT1 protein (p.Pro95Ser). This variant is not present in population databases (gnomAD no frequency). This variant has not been reported in the literature in individuals affected with WT1-related conditions. ClinVar contains an entry for this variant (Variation ID: 852413). Algorithms developed to predict the effect of missense changes on protein structure and function are either unavailable or do not agree on the potential impact of this missense change (SIFT: "Deleterious"; PolyPhen-2: "Probably Damaging"; Align-GVGD: "Class C0"). In summary, the available evidence is currently insufficient to determine the role of this variant in disease. Therefore, it has been classified as a Variant of Uncertain Significance.